The following is an entry in ClinVar:

NM_022039.4(FBXW4):c.526C>A (p.Arg176Ser)

Genes: FBXW4 (F-box and WD repeat domain containing 4; minus strand), LOC130004563 (ATAC-STARR-seq lymphoblastoid silent region 2723; plus strand). Cytogenetic location: 10q24.32.
Variant type: single nucleotide variant.
Coding change: c.526C>A on transcript NM_022039.4 (MANE Select); coding-DNA position 526, C replaced by A.
Protein change: p.Arg176Ser; replaces arginine 176 with serine.
Molecular consequence: missense variant. On other transcripts: non-coding transcript variant (1), intron variant (1).
Genome position (GRCh38, 1-based): chr10:101,694,580, G>T on the plus strand (C>A on the coding strand, the complement: FBXW4 is on the minus strand). VCF-style: chr10-101694580-G-T. GRCh37 (hg19) VCF-style: chr10-103454337-G-T.
Other names: c.-2+660C>A (NM_001323541.2); short protein forms R176S.
Identifiers: ClinVar variation 3673743 (VCV003673743.2).
Genomic context (GRCh38, chr10:101,694,580, plus strand): 5'-AGCAGATGAGCAGCAGCAGCTCCTCCGGCAGGCGCCAGAGCGCAGGCCCCGCGGCCGGGC[G>T]GGCAGCCGACTCCCGAGCCGCCTCCTCCTCCTCCTCCTCCTCCCCGGCCGCCGCCGCCAT-3'
Protein context (NP_071322.2, residues 166-186): EEEAARESAA[Arg176Ser]PAAGPALWRL

ClinVar aggregate classification (germline): Uncertain significance (1 of 4 stars; one submission).

gnomAD v4.1: 1 of 1,463,520 alleles (0.000068%); highest among the groups gnomAD compares: South Asian, 0.0014%; no homozygotes.

Submission:

Labcorp Genetics (formerly Invitae), Labcorp
Classification: Uncertain significance. Last evaluated: 2024-03-18. Review status: criteria provided, single submitter. Criteria: Invitae Variant Classification Sherloc (09022015). Collection method: clinical testing. Allele origin: germline.
Comment: This sequence change replaces arginine, which is basic and polar, with serine, which is neutral and polar, at codon 21 of the FBXW4 protein (p.Arg21Ser). This variant is not present in population databases (gnomAD no frequency). This variant has not been reported in the literature in individuals affected with FBXW4-related conditions. Experimental studies and prediction algorithms are not available or were not evaluated, and the functional significance of this variant is currently unknown. In summary, the available evidence is currently insufficient to determine the role of this variant in disease. Therefore, it has been classified as a Variant of Uncertain Significance.